The following is an entry in ClinVar:

ClinVar aggregate classification (germline): Uncertain significance (0 of 4 stars; one submission).

Conditions:
DPP6-related disorder. Also called: DPP6-related condition.

gnomAD v4.1: 50 of 1,613,816 alleles (0.0031%); highest among the groups gnomAD compares: Middle Eastern, 0.033%; no homozygotes.

Submission:

PreventionGenetics, part of Exact Sciences
Classification: Uncertain significance for DPP6-related condition. Last evaluated: 2024-07-04. Review status: no assertion criteria provided. Collection method: clinical testing. Allele origin: germline.
Comment: The DPP6 c.614A>T variant is predicted to result in the amino acid substitution p.His205Leu. To our knowledge, this variant has not been reported in the literature. This variant is reported in 0.0085% of alleles in individuals of Latino descent in gnomAD. At this time, the clinical significance of this variant is uncertain due to the absence of conclusive functional and genetic evidence.

NM_130797.4(DPP6):c.800A>T (p.His267Leu)

Gene: DPP6 (dipeptidyl peptidase like 6; plus strand). Cytogenetic location: 7q36.2.
Variant type: single nucleotide variant.
Coding change: c.800A>T on transcript NM_130797.4 (MANE Select); coding-DNA position 800, A replaced by T.
Protein change: p.His267Leu; replaces histidine 267 with leucine.
Molecular consequence: missense variant. On other transcripts: non-coding transcript variant (2).
Genome position (GRCh38, 1-based): chr7:154,727,804, A>T. VCF-style: chr7-154727804-A-T. GRCh37 (hg19) VCF-style: chr7-154519514-A-T.
Other names: c.608A>T, p.His203Leu (NM_001039350.3, NM_001364501.2); c.479A>T, p.His160Leu (NM_001290252.2); c.617A>T, p.His206Leu (NM_001364497.2, NM_001364498.2, NM_001364499.2 and 1 more transcripts); c.614A>T, p.His205Leu (NM_001936.5); short protein forms H160L, H203L, H205L, H206L, H267L.
Identifiers: ClinVar variation 3357829 (VCV003357829.1).